The following is an entry in ClinVar:

NM_000059.4(BRCA2):c.1286dup (p.Leu429fs)

Gene: BRCA2 (BRCA2 DNA repair associated; plus strand). Cytogenetic location: 13q13.1.
Variant type: Duplication.
Coding change: c.1286dup on transcript NM_000059.4 (MANE Select); coding-DNA position 1286, one base duplicated (T; older notation c.1286dupT).
Protein change: p.Leu429fs; shifts the reading frame from leucine 429.
Molecular consequence: frameshift variant. On other transcripts: non-coding transcript variant (1), intron variant (1).
Genome position (GRCh38, 1-based): chr13:32,332,764, T duplicated; the last of 2 consecutive T bases (chr13:32,332,763-32,332,764); duplicating either gives the same sequence. VCF-style (leftmost placement, unchanged base first): chr13-32332762-A-AT. GRCh37 (hg19) VCF-style: chr13-32906899-A-AT.
Other names: c.1286dup, p.Leu429fs (NM_001406719.1, NM_001406720.1, NM_001406721.1 and 1 more transcripts); c.424+1734dup (NM_001406722.1); short protein forms L429fs.
Identifiers: ClinVar variation 5042610 (VCV005042610.1).

ClinVar aggregate classification (germline): Pathogenic (1 of 4 stars; one submission).

Conditions:
BRCA2-related cancer predisposition. Identifiers: MedGen CN377758, MONDO:0700269.

Submission:

Hema, HEMA – Genetic and Molecular Diagnostic Laboratory
Classification: Pathogenic for BRCA2-related cancer predisposition. Last evaluated: 2025-01-15. Review status: criteria provided, single submitter. Criteria: HEMA Variant Classification Assertion Criteria. Collection method: clinical testing. Allele origin: germline.
Comment: It is a duplication of a thymine nucleotide that results in a frameshift in BRCA2. PVS1: Null variant (frameshift) in a gene for which loss of function is a known disease mechanism. It is a frameshift variant that introduces a premature stop codon in exon 10/27, which is predicted to lead to nonsense-mediated decay (NMD) of the transcript. PM5_Strong (PTC): Variant that introduces a stop codon in exon 10 of BRCA2.